The following is an entry in ClinVar:

ClinVar aggregate classification (germline): Benign (1 of 4 stars; one submission).

Conditions:
Leigh syndrome (NULS). Also called: Leigh's necrotizing encephalopathy; Leigh's disease; Leigh's syndrome; LEIGH SYNDROME, NUCLEAR; Leigh Syndrome (mtDNA deletion); Leigh Disease. Identifiers: Orphanet 506, MedGen C2931891, MONDO:0009723, OMIM 256000.

Submission:

Wong Mito Lab, Molecular and Human Genetics, Baylor College of Medicine
Classification: Benign for Leigh syndrome. Last evaluated: 2019-10-17. Review status: criteria provided, single submitter. Criteria: Modified ACMG Guidelines (Unpublished). Collection method: clinical testing. Allele origin: germline.
Comment: The NC_012920.1:m.13958G>C (YP_003024036.1:p.Gly541Ala) variant in MTND5 gene is interpretated to be a Benign variant based on the modified ACMG guidelines (unpublished). This variant meets the following evidence codes: BS1, BS2, BP4

NC_012920.1(MT-ND5):m.13958G>C

Gene: MT-ND5 (mitochondrially encoded NADH dehydrogenase 5; plus strand).
Variant type: single nucleotide variant.
Genome position: chrM-13958-G-C.
Identifiers: ClinVar variation 693642 (VCV000693642.1), dbSNP rs202081448, ClinGen allele CA337099873.